The following is an entry in ClinVar:

NM_024422.6(DSC2):c.1264-293A>G

Gene: DSC2 (desmocollin 2; minus strand). Cytogenetic location: 18q12.1.
Variant type: single nucleotide variant.
Coding change: c.1264-293A>G on transcript NM_024422.6 (MANE Select); 293 bases into the intron before coding-DNA position 1264, A replaced by G.
Molecular consequence: intron variant.
Genome position (GRCh38, 1-based): chr18:31,080,645, T>C on the plus strand (A>G on the coding strand, the complement: DSC2 is on the minus strand). VCF-style: chr18-31080645-T-C. GRCh37 (hg19) VCF-style: chr18-28660611-T-C.
Other names: c.1264-293A>G (NM_004949.5).
Identifiers: ClinVar variation 683467 (VCV000683467.1), dbSNP rs1789057, ClinGen allele CA15928564.

ClinVar aggregate classification (germline): Benign (1 of 4 stars; one submission).

Allele frequency attached by ClinVar (database versions not stated): 1000 Genomes Project 30x 0.25250; 1000 Genomes Project 0.25559; TOPMed 0.26070; gnomAD 0.26239 and 0.26429.
gnomAD v4.1: 40,353 of 152,064 alleles (27%); highest among the groups gnomAD compares: East Asian, 41%; 6,016 homozygotes.

Submission:

GeneDx
Classification: Benign. Last evaluated: 2018-06-18. Review status: criteria provided, single submitter. Criteria: GeneDx Variant Classification (06012015). Collection method: clinical testing. Allele origin: germline. Affected: yes.
Comment: This variant is considered likely benign or benign based on one or more of the following criteria: it is a conservative change, it occurs at a poorly conserved position in the protein, it is predicted to be benign by multiple in silico algorithms, and/or has population frequency not consistent with disease.